The following is an entry in ClinVar:

ClinVar aggregate classification (germline): Likely benign. Review status: criteria provided, multiple submitters, no conflicts (2 of 4 stars). 3 submissions from 3 submitters: Likely benign (3). Last evaluated 2025-07-24.

Conditions:
Cardiomyopathy (CMYO). Also called: Cardiomyopathies. Identifiers: Orphanet 167848, MedGen C0878544, MONDO:0004994, HP:0001638. Inheritance: Various modes of inheritance.

Allele frequency attached by ClinVar (database versions not stated): gnomAD exomes below 0.00001.
gnomAD v4.1: 2 of 1,610,668 alleles (0.00012%); highest among the groups gnomAD compares: Non-Finnish European, 0.00017%; no homozygotes.

Submissions (3):

Molecular Diagnostic Laboratory for Inherited Cardiovascular Disease, Montreal Heart Institute
Classification: Likely benign. Last evaluated: 2025-07-24. Review status: criteria provided, single submitter. Criteria: ACMG Guidelines, 2015. Collection method: clinical testing. Allele origin: germline. Affected: no.
Comment: BP7

Color Diagnostics, LLC DBA Color Health
Classification: Likely benign for Cardiomyopathy. Last evaluated: 2024-12-16. Review status: criteria provided, single submitter. Criteria: ACMG Guidelines, 2015. Collection method: clinical testing. Allele origin: germline.

GeneDx
Classification: Likely benign. Last evaluated: 2016-02-22. Review status: criteria provided, single submitter. Criteria: GeneDx Variant Classification (06012015). Collection method: clinical testing. Allele origin: germline. Affected: yes.
Comment: This variant is considered likely benign or benign based on one or more of the following criteria: it is a conservative change, it occurs at a poorly conserved position in the protein, it is predicted to be benign by multiple in silico algorithms, and/or has population frequency not consistent with disease.

NM_001943.5(DSG2):c.1410G>A (p.Val470=)

Gene: DSG2 (desmoglein 2; plus strand). Cytogenetic location: 18q12.1.
Variant type: single nucleotide variant.
Coding change: c.1410G>A on transcript NM_001943.5 (MANE Select); coding-DNA position 1410, G replaced by A.
Protein change: p.Val470=; no amino-acid change (valine 470 retained).
Molecular consequence: synonymous variant.
Genome position (GRCh38, 1-based): chr18:31,535,399, G>A. VCF-style: chr18-31535399-G-A. GRCh37 (hg19) VCF-style: chr18-29115362-G-A.
Other names: c.1410G>A (LRG_397t1, NM_001943.4).
Identifiers: ClinVar variation 383899 (VCV000383899.3), dbSNP rs1036402724, ClinGen allele CA16607924.